The following is an entry in ClinVar:

ClinVar aggregate classification (germline): Likely pathogenic (1 of 4 stars; one submission).

Submission:

Mayo Clinic Laboratories, Mayo Clinic
Classification: Likely pathogenic. Last evaluated: 2024-12-24. Review status: criteria provided, single submitter. Criteria: ACMG Guidelines, 2015. Collection method: clinical testing. Allele origin: germline. Observed: 1 variant allele.
Comment: PP3_strong, PM2_supporting, PM5

NM_000342.4(SLC4A1):c.2279G>T (p.Arg760Leu)

Gene: SLC4A1 (solute carrier family 4 member 1 (Diego blood group); minus strand). Cytogenetic location: 17q21.31.
Variant type: single nucleotide variant.
Coding change: c.2279G>T on transcript NM_000342.4 (MANE Select); coding-DNA position 2279, G replaced by T.
Protein change: p.Arg760Leu; replaces arginine 760 with leucine.
Molecular consequence: missense variant.
Genome position (GRCh38, 1-based): chr17:44,253,150, C>A on the plus strand (G>T on the coding strand, the complement: SLC4A1 is on the minus strand). VCF-style: chr17-44253150-C-A. GRCh37 (hg19) VCF-style: chr17-42330518-C-A.
Other names: p.Arg760Leu; short protein forms R760L.
Identifiers: ClinVar variation 4542163 (VCV004542163.1).
Genomic context (GRCh38, chr17:44,253,150, plus strand): 5'-GTGAAGACGCGACCCAGCTTTCACTCACCCACAAGCACAGCGACCAGGAGTCCACTGATC[C>A]GCTGCTCTTTGACCTCCTGGATCTGGGCTGCAGCCCCTGGGGTGCTGGCTTTGCCCATGA-3'
Protein context (NP_000333.1, residues 750-770): AAQIQEVKEQ[Arg760Leu]ISGLLVAVLV